The following is an entry in ClinVar:

ClinVar aggregate classification (germline): Conflicting classifications of pathogenicity. Review status: criteria provided, conflicting classifications (1 of 4 stars). 3 submissions from 3 submitters: Uncertain significance (1); Likely benign (1). 1 of the submissions does not count toward it. Last evaluated 2025-11-18.

Conditions:
Hereditary cancer-predisposing syndrome. Also called: Hereditary Cancer Syndrome; Neoplastic Syndromes, Hereditary; Tumor predisposition; Hereditary neoplastic syndrome. Identifiers: Orphanet 140162, MedGen C0027672, MeSH D009386, MONDO:0015356.
Ataxia-telangiectasia syndrome (AT). Also called: Ataxia-telangiectasia, complementation group D; AT, COMPLEMENTATION GROUP C; ATAXIA-TELANGIECTASIA, COMPLEMENTATION GROUP A; ATAXIA-TELANGIECTASIA, FRESNO VARIANT; Ataxia-telangiectasia; LOUIS-BAR SYNDROME. Identifiers: Orphanet 100, MedGen C0004135, MONDO:0008840, OMIM 208900.

Allele frequency attached by ClinVar (database versions not stated): gnomAD exomes below 0.00001.
gnomAD v4.1: 2 of 1,613,782 alleles (0.00012%); highest among the groups gnomAD compares: East Asian, 0.0022%; no homozygotes.

Submissions (3):

Labcorp Genetics (formerly Invitae), Labcorp
Classification: Uncertain significance for Ataxia-telangiectasia syndrome. Last evaluated: 2025-11-18. Review status: criteria provided, single submitter. Criteria: Invitae Variant Classification Sherloc (09022015). Collection method: clinical testing. Allele origin: germline.
Comment: This sequence change replaces threonine, which is neutral and polar, with isoleucine, which is neutral and non-polar, at codon 547 of the ATM protein (p.Thr547Ile). This variant is present in population databases (rs786203572, gnomAD 0.006%). This variant has not been reported in the literature in individuals affected with ATM-related conditions. ClinVar contains an entry for this variant (Variation ID: 187235). Invitae Evidence Modeling of protein sequence and biophysical properties (such as structural, functional, and spatial information, amino acid conservation, physicochemical variation, residue mobility, and thermodynamic stability) indicates that this missense variant is not expected to disrupt ATM protein function with a negative predictive value of 95%. In summary, the available evidence is currently insufficient to determine the role of this variant in disease. Therefore, it has been classified as a Variant of Uncertain Significance.

Ambry Genetics
Classification: Likely benign for Hereditary cancer-predisposing syndrome. Last evaluated: 2025-02-19. Review status: criteria provided, single submitter. Criteria: Ambry Variant Classification Scheme 2023. Collection method: clinical testing. Allele origin: germline.

Natera, Inc.
Classification: Uncertain significance for Ataxia-telangiectasia. Last evaluated: 2020-11-04. Review status: no assertion criteria provided. Collection method: clinical testing. Allele origin: germline. Not counted in ClinVar's aggregate classification.

NM_000051.4(ATM):c.1640C>T (p.Thr547Ile)

Gene: ATM (ATM serine/threonine kinase; plus strand). Cytogenetic location: 11q22.3.
Variant type: single nucleotide variant.
Coding change: c.1640C>T on transcript NM_000051.4 (MANE Select); coding-DNA position 1640, C replaced by T.
Protein change: p.Thr547Ile; replaces threonine 547 with isoleucine.
Molecular consequence: missense variant.
Genome position (GRCh38, 1-based): chr11:108,251,869, C>T. VCF-style: chr11-108251869-C-T. GRCh37 (hg19) VCF-style: chr11-108122596-C-T.
Other names: c.1640C>T, p.Thr547Ile (NM_001351834.2); short protein forms T547I.
Identifiers: ClinVar variation 187235 (VCV000187235.18), dbSNP rs786203572, ClinGen allele CA197118.
Genomic context (GRCh38, chr11:108,251,869, plus strand): 5'-TTCACAATTGTCCTTTGTTTTGTTATAGTCCTGCAGTATGCTGTTTGACTTTGGCACTGA[C>T]CACCAGTATAGTTCCAGGAACGGTAAAAATGGGAATAGAGCAAAATATGTGTGAAGTAAA-3'
Protein context (NP_000042.3, residues 537-557): PAVCCLTLAL[Thr547Ile]TSIVPGTVKM